The following is an entry in ClinVar:

ClinVar aggregate classification (germline): Uncertain significance (1 of 4 stars; one submission).

Conditions:
Neuropathy, hereditary sensory and autonomic, type 2A (HSAN2A). Also called: WNK1-Related HSAN2 (HSAN2A); MORVAN DISEASE; NEUROPATHY, CONGENITAL SENSORY; NEUROPATHY, HEREDITARY SENSORY RADICULAR, AUTOSOMAL RECESSIVE; NEUROPATHY, HEREDITARY SENSORY, TYPE IIA; NEUROPATHY, PROGRESSIVE SENSORY, OF CHILDREN. Identifiers: Orphanet 970, MedGen C2752089, MONDO:0024309, OMIM 201300.
Generalized epilepsy with febrile seizures plus, type 7 (GEFSP7). Also called: GEFS+, TYPE 7. Identifiers: Orphanet 36387, MedGen C2751778, MONDO:0013470, OMIM 613863.

Submission:

Labcorp Genetics (formerly Invitae), Labcorp
Classification: Uncertain significance for Neuropathy, hereditary sensory and autonomic, type 2A; Generalized epilepsy with febrile seizures plus, type 7. Last evaluated: 2022-09-01. Review status: criteria provided, single submitter. Criteria: Invitae Variant Classification Sherloc (09022015). Collection method: clinical testing. Allele origin: germline.
Comment: Algorithms developed to predict the effect of missense changes on protein structure and function (SIFT, PolyPhen-2, Align-GVGD) all suggest that this variant is likely to be tolerated. ClinVar contains an entry for this variant (Variation ID: 1402391). This variant has not been reported in the literature in individuals affected with SCN9A-related conditions. This variant is not present in population databases (gnomAD no frequency). This sequence change replaces arginine, which is basic and polar, with methionine, which is neutral and non-polar, at codon 1011 of the SCN9A protein (p.Arg1011Met). In summary, the available evidence is currently insufficient to determine the role of this variant in disease. Therefore, it has been classified as a Variant of Uncertain Significance.

NM_001365536.1(SCN9A):c.3065G>T (p.Arg1022Met)

Genes: SCN9A (sodium voltage-gated channel alpha subunit 9; minus strand), SCN1A-AS1 (SCN1A and SCN9A antisense RNA 1; plus strand). Cytogenetic location: 2q24.3.
Variant type: single nucleotide variant.
Coding change: c.3065G>T on transcript NM_001365536.1 (MANE Select); coding-DNA position 3065, G replaced by T.
Protein change: p.Arg1022Met; replaces arginine 1022 with methionine.
Molecular consequence: missense variant.
Genome position (GRCh38, 1-based): chr2:166,272,685, C>A on the plus strand (G>T on the coding strand, the complement: SCN9A is on the minus strand). VCF-style: chr2-166272685-C-A. GRCh37 (hg19) VCF-style: chr2-167129195-C-A.
Other names: c.3032G>T, p.Arg1011Met (NM_002977.4); short protein forms R1022M, R1011M.
Identifiers: ClinVar variation 1402391 (VCV001402391.6), dbSNP rs2106461034, ClinGen allele CA349074102.
Genomic context (GRCh38, chr2:166,272,685, plus strand): 5'-GTATGGTTAGAAATATAGTTTTCCTTCTTAGTATTCAGATCTTCTGCTTGTCTTATCTCC[C>A]TGGAAATCTTTGGCTTTTTGGAAAATGCTTTTAGAATAAATTCACGTAAGGTTTGTTTCA-3'
Protein context (NP_001352465.1, residues 1012-1032): KAFSKKPKIS[Arg1022Met]EIRQAEDLNT